The following is an entry in ClinVar:

NM_000098.3(CPT2):c.764A>G (p.Asp255Gly)

Gene: CPT2 (carnitine palmitoyltransferase 2; plus strand). Cytogenetic location: 1p32.3.
Variant type: single nucleotide variant.
Coding change: c.764A>G on transcript NM_000098.3 (MANE Select); coding-DNA position 764, A replaced by G.
Protein change: p.Asp255Gly; replaces aspartic acid 255 with glycine.
Molecular consequence: missense variant.
Genome position (GRCh38, 1-based): chr1:53,210,438, A>G. VCF-style: chr1-53210438-A-G. GRCh37 (hg19) VCF-style: chr1-53676110-A-G.
Other names: c.764A>G, p.Asp255Gly (NM_001330589.2); short protein forms D255G.
Identifiers: ClinVar variation 830057 (VCV000830057.4), dbSNP rs199673903, ClinGen allele CA859045.

ClinVar aggregate classification (germline): Conflicting classifications of pathogenicity. Review status: criteria provided, conflicting classifications (1 of 4 stars). 2 submissions from 2 submitters: Likely pathogenic (1); Uncertain significance (1). Last evaluated 2023-10-02.

Conditions:
Carnitine palmitoyl transferase II deficiency, neonatal form. Also called: CPT II DEFICIENCY, LETHAL NEONATAL; CPT2 DEFICIENCY, LETHAL NEONATAL; CARNITINE PALMITOYLTRANSFERASE II DEFICIENCY, ANTENATAL; CARNITINE PALMITOYLTRANSFERASE II DEFICIENCY, NEONATAL; Carnitine palmitoyltransferase II deficiency, lethal neonatal. Identifiers: Orphanet 228308, MedGen C1833518, MONDO:0012136, OMIM 608836.

Allele frequency attached by ClinVar (database versions not stated): gnomAD exomes below 0.00001; ExAC 0.00001; 1000 Genomes Project 30x 0.00016; 1000 Genomes Project 0.00020.
gnomAD v4.1: 4 of 1,614,130 alleles (0.00025%); highest among the groups gnomAD compares: Non-Finnish European, 0.00034%; no homozygotes.

Submissions (2):

Women's Health and Genetics/Laboratory Corporation of America, LabCorp
Classification: Uncertain significance. Last evaluated: 2023-10-02. Review status: criteria provided, single submitter. Criteria: LabCorp Variant Classification Summary - May 2015. Collection method: clinical testing. Allele origin: germline.
Comment: Variant summary: CPT2 c.764A>G (p.Asp255Gly) results in a non-conservative amino acid change located in the Choline/carnitine acyltransferase domain (IPR039551) of the encoded protein sequence. Five of five in-silico tools predict a damaging effect of the variant on protein function. The variant allele was found at a frequency of 4e-06 in 251162 control chromosomes (gnomAD). The available data on variant occurrences in the general population are insufficient to allow any conclusion about variant significance. c.764A>G has been reported in the literature in at least one compound heterozygous individual affected with Carnitine Palmitoyltransferase II Deficiency (e.g., Yang_2020, Wang 2020). These data do not allow any conclusion about variant significance. To our knowledge, no experimental evidence demonstrating an impact on protein function has been reported. The following publications have been ascertained in the context of this evaluation (PMID: 32411386, 31501239). One submitter has reported clinical-significance assessments for this variant to ClinVar after 2014 and has classified the variant as likely pathogenic without evidence for independent evaluation. Based on the evidence outlined above, the variant was classified as uncertain significance.

Center for Molecular Medicine, Children’s Hospital of Fudan University
Classification: Likely pathogenic for Carnitine palmitoyl transferase II deficiency, neonatal form. Last evaluated: 2019-05-10. Review status: criteria provided, single submitter. Criteria: ACMG Guidelines, 2015. Collection method: clinical testing. Allele origin: paternal. Affected: yes.

Literature cited by the submitters: PubMed 31501239 (cited by Women's Health and Genetics/Laboratory Corporation of America, LabCorp); PubMed 32411386 (cited by Women's Health and Genetics/Laboratory Corporation of America, LabCorp).